The following is an entry in ClinVar:

NM_001142800.2(EYS):c.9342TGT[1] (p.Val3116del)

Genes: EYS (EGF-like photoreceptor maintenance factor; minus strand), PHF3 (PHD finger protein 3; plus strand). Cytogenetic location: 6q12.
Variant type: Microsatellite.
Coding change: c.9342TGT[1] on transcript NM_001142800.2 (MANE Select); one copy of the 3-base unit TGT starting at c.9342; the reference has two copies in a row; one copy, 3 bases deleted; also written c.9345_9347del.
Protein change: p.Val3116del; deletes valine 3116.
Molecular consequence: inframe deletion. On other transcripts: 3 prime UTR variant (5).
Genome position (GRCh38, 1-based): chr6:63,720,684-63,720,686, ACA deleted on the plus strand (TGT on the coding strand, the reverse complement: EYS is on the minus strand); deleting any 3 consecutive bases within chr6:63,720,684-63,720,689 gives the same sequence; the position shown is the placement nearest the transcript's 3' end. VCF-style (leftmost placement, unchanged base first): chr6-63720683-TACA-T. GRCh37 (hg19) VCF-style: chr6-64430579-TACA-T.
Other names: c.9345_9347del (NM_001142800.1, NM_001142800.2); c.*6976ACA[1] (NM_001290259.2, NM_001370348.2, NM_001370349.2 and 2 more transcripts); c.9405TGT[1], p.Val3137del (NM_001292009.2); short protein forms V3116del, V3137del.
Identifiers: ClinVar variation 281809 (VCV000281809.28), dbSNP rs536788112, ClinGen allele CA3876671.

ClinVar aggregate classification (germline): Benign/Likely benign. Review status: criteria provided, multiple submitters, no conflicts (2 of 4 stars). 6 submissions from 6 submitters: Benign (2); Likely benign (2). 2 of the submissions do not count toward it. Last evaluated 2026-03-01.

Conditions:
Retinitis pigmentosa 25 (RP25). Identifiers: Orphanet 791, MedGen C1864446, MONDO:0011272, OMIM 602772.

Submissions (6):

CeGaT Center for Human Genetics Tuebingen
Classification: Likely benign. Last evaluated: 2026-03-01. Review status: criteria provided, single submitter. Criteria: CeGaT Center For Human Genetics Tuebingen Variant Classification Criteria Version 2. Collection method: clinical testing. Allele origin: germline. Affected: yes. Observed: 1 variant allele.
Comment: EYS: PM4:Supporting, BS1

Labcorp Genetics (formerly Invitae), Labcorp
Classification: Benign. Last evaluated: 2026-01-28. Review status: criteria provided, single submitter. Criteria: Invitae Variant Classification Sherloc (09022015). Collection method: clinical testing. Allele origin: germline.

Blueprint Genetics
Classification: Likely benign. Last evaluated: 2024-11-26. Review status: criteria provided, single submitter. Criteria: ACMG Guidelines, 2015. Collection method: clinical testing. Allele origin: germline.

Eurofins Ntd Llc (ga)
Classification: Benign. Last evaluated: 2015-07-28. Review status: criteria provided, single submitter. Criteria: EGL Classification Definitions 2015. Collection method: clinical testing. Allele origin: germline. Observed: 1 variant allele, 1 heterozygote.

Natera, Inc.
Classification: Benign for Retinitis pigmentosa type 25. Last evaluated: 2020-07-31. Review status: no assertion criteria provided. Collection method: clinical testing. Allele origin: germline. Not counted in ClinVar's aggregate classification.

Counsyl
Classification: Likely benign for Retinitis pigmentosa 25. Last evaluated: 2018-02-16. Review status: no assertion criteria provided. Collection method: clinical testing. Allele origin: unknown. Not counted in ClinVar's aggregate classification.